The following is an entry in ClinVar:

ClinVar aggregate classification (germline): Uncertain significance. Review status: criteria provided, multiple submitters, no conflicts (2 of 4 stars). 4 submissions from 4 submitters: Uncertain significance (4). Last evaluated 2024-05-13.

Conditions:
Nephrotic syndrome, type 3 (NPHS3). Also called: NEPHROTIC SYNDROME, EARLY-ONSET, TYPE 3. Identifiers: Orphanet 656, MedGen C1853124, MONDO:0012546, OMIM 610725.
Inborn genetic diseases. Identifiers: MedGen C0950123, MeSH D030342.

Allele frequency attached by ClinVar (database versions not stated): gnomAD exomes below 0.00001; TOPMed 0.00003; gnomAD 0.00004 and 0.00005.
gnomAD v4.1: 57 of 1,613,990 alleles (0.0035%); highest among the groups gnomAD compares: African/African-American, 0.0067%; no homozygotes.

Submissions (4):

Ambry Genetics
Classification: Uncertain significance for Inborn genetic diseases. Last evaluated: 2024-05-13. Review status: criteria provided, single submitter. Criteria: Ambry Variant Classification Scheme 2023. Collection method: clinical testing. Allele origin: germline.

Victorian Clinical Genetics Services, Murdoch Childrens Research Institute
Classification: Uncertain significance for Nephrotic syndrome, type 3. Last evaluated: 2022-09-02. Review status: criteria provided, single submitter. Criteria: ACMG Guidelines, 2015. Collection method: clinical testing. Allele origin: germline. Inheritance: Autosomal recessive inheritance. Affected: yes.
Comment: Based on the classification scheme VCGS_Germline_v1.3.4, this variant is classified as VUS-3B. Following criteria are met: 0102 - Loss of function is a known mechanism of disease in this gene and is associated with nephrotic syndrome, type 3 (MIM#610725). (I) 0106 - This gene is associated with autosomal recessive disease. (I) 0200 - Variant is predicted to result in a missense amino acid change from arginine to glutamine. (I) 0251 - This variant is heterozygous. (I) 0304 - Variant is present in gnomAD <0.01 for a recessive condition (v3 - 6 heterozygotes, 0 homozygotes). (SP) 0502 - Missense variant with conflicting in silico predictions and uninformative conservation. (I) 0604 - Variant is not located in an established domain, motif, hotspot or informative constraint region. (I) 0705 - No comparable missense variants have previous evidence for pathogenicity. (I) 0809 - Previous evidence of pathogenicity for this variant is inconclusive. This variant has been reported in cis with a synonymous variant (c.6093 T>C; p.Thr2031=) in an individual with nephrotic syndrome, type 3 and this haplotype was classified as a variant of uncertain significance (ClinVar).(I) 0905 - No published segregation evidence has been identified for this variant. (I) 1007 - No published functional evidence has been identified for this variant. (I) 1208 - Inheritance information for this variant is not currently available in this individual. (I) Legend: (SP) - Supporting pathogenic, (I) - Information, (SB) - Supporting benign

Labcorp Genetics (formerly Invitae), Labcorp
Classification: Uncertain significance. Last evaluated: 2022-07-09. Review status: criteria provided, single submitter. Criteria: Invitae Variant Classification Sherloc (09022015). Collection method: clinical testing. Allele origin: germline.
Comment: This sequence change replaces arginine, which is basic and polar, with glutamine, which is neutral and polar, at codon 2267 of the PLCE1 protein (p.Arg2267Gln). This variant is present in population databases (no rsID available, gnomAD 0.002%). This variant has not been reported in the literature in individuals affected with PLCE1-related conditions. Algorithms developed to predict the effect of missense changes on protein structure and function are either unavailable or do not agree on the potential impact of this missense change (SIFT: "Deleterious"; PolyPhen-2: "Possibly Damaging"; Align-GVGD: "Class C0"). In summary, the available evidence is currently insufficient to determine the role of this variant in disease. Therefore, it has been classified as a Variant of Uncertain Significance.

Breakthrough Genomics
Classification: Uncertain significance. Review status: criteria provided, single submitter. Criteria: ACMG Guidelines, 2015. Collection method: not provided. Allele origin: germline. Inheritance: Autosomal recessive inheritance. Affected: yes.

NM_016341.4(PLCE1):c.6800G>A (p.Arg2267Gln)

Genes: NOC3L (NOC3 like DNA replication regulator; minus strand), PLCE1 (phospholipase C epsilon 1; plus strand). Cytogenetic location: 10q23.33.
Variant type: single nucleotide variant.
Coding change: c.6800G>A on transcript NM_016341.4 (MANE Select); coding-DNA position 6800, G replaced by A.
Protein change: p.Arg2267Gln; replaces arginine 2267 with glutamine.
Molecular consequence: missense variant.
Genome position (GRCh38, 1-based): chr10:94,324,971, G>A. VCF-style: chr10-94324971-G-A. GRCh37 (hg19) VCF-style: chr10-96084728-G-A.
Other names: c.5876G>A, p.Arg1959Gln (NM_001165979.2); c.6752G>A, p.Arg2251Gln (NM_001288989.2); short protein forms R2267Q, R1959Q, R2251Q.
Identifiers: ClinVar variation 267283 (VCV000267283.7), dbSNP rs886039892, ClinGen allele CA10588930.